The following is an entry in ClinVar:

ClinVar aggregate classification (germline): Uncertain significance. Review status: criteria provided, multiple submitters, no conflicts (2 of 4 stars). 2 submissions from 2 submitters: Uncertain significance (2). Last evaluated 2024-04-08.

Conditions:
Brachyolmia-amelogenesis imperfecta syndrome. Also called: Tooth agenesis, selective, 6; Dental anomalies and short stature; PLATYSPONDYLY WITH AMELOGENESIS IMPERFECTA. Identifiers: Orphanet 2899, MedGen C1832594, MONDO:0011018, OMIM 601216. Disease mechanism: loss of function.
Inborn genetic diseases. Identifiers: MedGen C0950123, MeSH D030342.

gnomAD v4.1: 2 of 1,614,054 alleles (0.00012%); highest among the groups gnomAD compares: Non-Finnish European, 0.00017%; no homozygotes.

Submissions (2):

Ambry Genetics
Classification: Uncertain significance for Inborn genetic diseases. Last evaluated: 2024-04-08. Review status: criteria provided, single submitter. Criteria: Ambry Variant Classification Scheme 2023. Collection method: clinical testing. Allele origin: germline.
Comment: The p.E825Q variant (also known as c.2473G>C), located in coding exon 17 of the LTBP3 gene, results from a G to C substitution at nucleotide position 2473. The glutamic acid at codon 825 is replaced by glutamine, an amino acid with highly similar properties. This amino acid position is conserved. In addition, this alteration is predicted to be tolerated by in silico analysis. Based on the available evidence, the clinical significance of this variant remains unclear.

Labcorp Genetics (formerly Invitae), Labcorp
Classification: Uncertain significance for Brachyolmia-amelogenesis imperfecta syndrome. Last evaluated: 2023-05-13. Review status: criteria provided, single submitter. Criteria: Invitae Variant Classification Sherloc (09022015). Collection method: clinical testing. Allele origin: germline.
Comment: This sequence change replaces glutamic acid, which is acidic and polar, with glutamine, which is neutral and polar, at codon 825 of the LTBP3 protein (p.Glu825Gln). An algorithm developed to predict the effect of missense changes on protein structure and function (PolyPhen-2) suggests that this variant is likely to be disruptive. This variant is present in population databases (rs147143573, gnomAD 0.0009%). This variant has not been reported in the literature in individuals affected with LTBP3-related conditions. In summary, the available evidence is currently insufficient to determine the role of this variant in disease. Therefore, it has been classified as a Variant of Uncertain Significance.

NM_001130144.3(LTBP3):c.2473G>C (p.Glu825Gln)

Gene: LTBP3 (latent transforming growth factor beta binding protein 3; minus strand). Cytogenetic location: 11q13.1.
Variant type: single nucleotide variant.
Coding change: c.2473G>C on transcript NM_001130144.3 (MANE Select); coding-DNA position 2473, G replaced by C.
Protein change: p.Glu825Gln; replaces glutamic acid 825 with glutamine.
Molecular consequence: missense variant.
Genome position (GRCh38, 1-based): chr11:65,543,430, C>G on the plus strand (G>C on the coding strand, the complement: LTBP3 is on the minus strand). VCF-style: chr11-65543430-C-G. GRCh37 (hg19) VCF-style: chr11-65310901-C-G.
Other names: c.2473G>C (NM_001130144.2); c.2473G>C, p.Glu825Gln (NM_021070.4); c.2122G>C, p.Glu708Gln (NM_001164266.1); short protein forms E708Q, E825Q.
Identifiers: ClinVar variation 2990731 (VCV002990731.4), dbSNP rs147143573, ClinGen allele CA6100607.